The following is an entry in ClinVar:

ClinVar aggregate classification (germline): Uncertain significance (1 of 4 stars; one submission).

Allele frequency attached by ClinVar (database versions not stated): gnomAD exomes below 0.00001; gnomAD 0.00001.
gnomAD v4.1: 6 of 1,612,838 alleles (0.00037%); highest among the groups gnomAD compares: South Asian, 0.0022%; no homozygotes.

Submission:

Labcorp Genetics (formerly Invitae), Labcorp
Classification: Uncertain significance. Last evaluated: 2023-09-08. Review status: criteria provided, single submitter. Criteria: Invitae Variant Classification Sherloc (09022015). Collection method: clinical testing. Allele origin: germline.
Comment: This variant has not been reported in the literature in individuals affected with DSG1-related conditions. This variant is present in population databases (no rsID available, gnomAD 0.01%). In summary, the available evidence is currently insufficient to determine the role of this variant in disease. Therefore, it has been classified as a Variant of Uncertain Significance. Advanced modeling of protein sequence and biophysical properties (such as structural, functional, and spatial information, amino acid conservation, physicochemical variation, residue mobility, and thermodynamic stability) performed at Invitae indicates that this missense variant is not expected to disrupt DSG1 protein function. This sequence change replaces arginine, which is basic and polar, with glutamine, which is neutral and polar, at codon 128 of the DSG1 protein (p.Arg128Gln).

NM_001942.4(DSG1):c.383G>A (p.Arg128Gln)

Gene: DSG1 (desmoglein 1; plus strand). Cytogenetic location: 18q12.1.
Variant type: single nucleotide variant.
Coding change: c.383G>A on transcript NM_001942.4 (MANE Select); coding-DNA position 383, G replaced by A.
Protein change: p.Arg128Gln; replaces arginine 128 with glutamine.
Molecular consequence: missense variant.
Genome position (GRCh38, 1-based): chr18:31,329,902, G>A. VCF-style: chr18-31329902-G-A. GRCh37 (hg19) VCF-style: chr18-28909865-G-A.
Other names: short protein forms R128Q.
Identifiers: ClinVar variation 3008695 (VCV003008695.3), dbSNP rs866214983, ClinGen allele CA297691863.